The following is an entry in ClinVar:

NM_001201543.2(FAM161A):c.722del (p.Pro241fs)

Gene: FAM161A (FAM161 centrosomal protein A; minus strand). Cytogenetic location: 2p15.
Variant type: Deletion.
Coding change: c.722del on transcript NM_001201543.2 (MANE Select); coding-DNA position 722, one base deleted (C; older notation c.722delC).
Protein change: p.Pro241fs; shifts the reading frame from proline 241.
Molecular consequence: frameshift variant. On other transcripts: non-coding transcript variant (1).
Genome position (GRCh38, 1-based): chr2:61,840,282, G deleted on the plus strand (C on the coding strand, the reverse complement: FAM161A is on the minus strand); the first of 2 consecutive G bases (chr2:61,840,282-61,840,283); deleting either gives the same sequence. VCF-style (leftmost placement, unchanged base first): chr2-61840281-AG-A. GRCh37 (hg19) VCF-style: chr2-62067416-AG-A.
Other names: c.722del, p.Pro241fs (NM_032180.3); short protein forms P241fs.
Identifiers: ClinVar variation 3639462 (VCV003639462.2).

ClinVar aggregate classification (germline): Pathogenic (1 of 4 stars; one submission).

Submission:

Labcorp Genetics (formerly Invitae), Labcorp
Classification: Pathogenic. Last evaluated: 2024-02-07. Review status: criteria provided, single submitter. Criteria: Invitae Variant Classification Sherloc (09022015). Collection method: clinical testing. Allele origin: germline.
Comment: This sequence change creates a premature translational stop signal (p.Pro241Leufs*4) in the FAM161A gene. It is expected to result in an absent or disrupted protein product. Loss-of-function variants in FAM161A are known to be pathogenic (PMID: 20705278, 20705279, 24651477). This variant is not present in population databases (gnomAD no frequency). This variant has not been reported in the literature in individuals affected with FAM161A-related conditions. For these reasons, this variant has been classified as Pathogenic.

Literature cited by the submitters: PubMed 20705278; PubMed 20705279; PubMed 24651477.